The following is an entry in ClinVar:

ClinVar aggregate classification (germline): Pathogenic/Likely pathogenic. Review status: criteria provided, multiple submitters, no conflicts (2 of 4 stars). 2 submissions from 2 submitters: Pathogenic (1); Likely pathogenic (1). Last evaluated 2023-07-09.

Conditions:
Mucopolysaccharidosis, MPS-III-B (MPS3B). Also called: MUCOPOLYSACCHARIDOSIS, TYPE IIIB; N-ACETYL-ALPHA-D-GLUCOSAMINIDASE DEFICIENCY; NAGLU DEFICIENCY; SANFILIPPO SYNDROME B; MPS III B; Mucopolysaccharidosis type IIIB (Sanfilippo B). Identifiers: Orphanet 79270, MedGen C0086648, MONDO:0009656, OMIM 252920.
Charcot-Marie-Tooth disease axonal type 2V. Also called: CHARCOT-MARIE-TOOTH NEUROPATHY, TYPE 2V; CHARCOT-MARIE-TOOTH DISEASE, AXONAL, AUTOSOMAL DOMINANT, TYPE 2V. Identifiers: Orphanet 447964, MedGen C5569050, MONDO:0014665, OMIM 616491.

Allele frequency attached by ClinVar (database versions not stated): gnomAD exomes below 0.00001.

Submissions (2):

Labcorp Genetics (formerly Invitae), Labcorp
Classification: Pathogenic for Charcot-Marie-Tooth disease axonal type 2V; Mucopolysaccharidosis, MPS-III-B. Last evaluated: 2023-07-09. Review status: criteria provided, single submitter. Criteria: Invitae Variant Classification Sherloc (09022015). Collection method: clinical testing. Allele origin: germline.
Comment: This sequence change creates a premature translational stop signal (p.Glu25Glyfs*175) in the NAGLU gene. It is expected to result in an absent or disrupted protein product. Loss-of-function variants in NAGLU are known to be pathogenic (PMID: 9832037, 10094189, 16151907). This variant is not present in population databases (gnomAD no frequency). This variant has not been reported in the literature in individuals affected with NAGLU-related conditions. ClinVar contains an entry for this variant (Variation ID: 936390). For these reasons, this variant has been classified as Pathogenic.

Fulgent Genetics
Classification: Likely pathogenic for Mucopolysaccharidosis, MPS-III-B; Charcot-Marie-Tooth disease axonal type 2V. Last evaluated: 2021-08-17. Review status: criteria provided, single submitter. Criteria: ACMG Guidelines, 2015. Collection method: clinical testing. Allele origin: unknown.

Literature cited by the submitters: PubMed 9832037 (cited by Labcorp Genetics (formerly Invitae), Labcorp); PubMed 10094189 (cited by Labcorp Genetics (formerly Invitae), Labcorp); PubMed 16151907 (cited by Labcorp Genetics (formerly Invitae), Labcorp).

NM_000263.4(NAGLU):c.49_73dup (p.Glu25fs)

Genes: NAGLU (N-acetyl-alpha-glucosaminidase; plus strand), LOC130060903 (ATAC-STARR-seq lymphoblastoid silent region 8533; plus strand). Cytogenetic location: 17q21.2.
Variant type: Duplication.
Coding change: c.49_73dup on transcript NM_000263.4 (MANE Select); coding-DNA positions 49 to 73, 25 bases duplicated (GGGGCCGGGGGCGCGGCAGGCGACG).
Protein change: p.Glu25fs; shifts the reading frame from glutamic acid 25.
Molecular consequence: frameshift variant.
Genome position (GRCh38, 1-based): chr17:42,536,321-42,536,345, GGGGCCGGGGGCGCGGCAGGCGACG duplicated. VCF-style (leftmost placement, unchanged base first): chr17-42536320-C-CGGGGCCGGGGGCGCGGCAGGCGACG. GRCh37 (hg19) VCF-style: chr17-40688338-C-CGGGGCCGGGGGCGCGGCAGGCGACG.
Other names: short protein forms E25fs.
Identifiers: ClinVar variation 936390 (VCV000936390.9), dbSNP rs2092905845, ClinGen allele CA1139665538.